The following is an entry in ClinVar:

NM_177438.3(DICER1):c.4736C>T (p.Ala1579Val)

Gene: DICER1 (dicer 1, ribonuclease III; minus strand). Cytogenetic location: 14q32.13.
Variant type: single nucleotide variant.
Coding change: c.4736C>T on transcript NM_177438.3 (MANE Select); coding-DNA position 4736, C replaced by T.
Protein change: p.Ala1579Val; replaces alanine 1579 with valine.
Molecular consequence: missense variant. On other transcripts: non-coding transcript variant (6).
Genome position (GRCh38, 1-based): chr14:95,096,184, G>A on the plus strand (C>T on the coding strand, the complement: DICER1 is on the minus strand). VCF-style: chr14-95096184-G-A. GRCh37 (hg19) VCF-style: chr14-95562521-G-A.
Other names: c.4736C>T, p.Ala1579Val (NM_001195573.1, NM_001271282.3, NM_001291628.2 and 12 more transcripts); c.4454C>T, p.Ala1485Val (NM_001395686.1); c.4331C>T, p.Ala1444Val (NM_001395687.1, NM_001395688.1, NM_001395689.1 and 2 more transcripts); c.4169C>T, p.Ala1390Val (NM_001395691.1); c.3053C>T, p.Ala1018Val (NM_001395697.1); short protein forms A1444V, A1579V, A1485V, A1018V, A1390V.
Identifiers: ClinVar variation 4240532 (VCV004240532.1).
Genomic context (GRCh38, chr14:95,096,184, plus strand): 5'-CGATCAGTCCTTTTAATTACCGGGAGCACCTTCAGCCCCAGTGAACAGAGGAAAAGCTGA[G>A]CAGCCCTCTCCCCACAGCTGGTTAAATAGCAGCCCAGCAGGGCTTCCACACAGTCCGCTA-3'
Protein context (NP_803187.1, residues 1569-1589): CYLTSCGERA[Ala1579Val]QLFLCSLGLK

ClinVar aggregate classification (germline): Uncertain significance (1 of 4 stars; one submission).

Conditions:
Hereditary cancer-predisposing syndrome. Also called: Hereditary Cancer Syndrome; Hereditary neoplastic syndrome; Neoplastic Syndromes, Hereditary; Tumor predisposition. Identifiers: Orphanet 140162, MedGen C0027672, MeSH D009386, MONDO:0015356.

gnomAD v4.1: 1 of 1,614,110 alleles (0.000062%); highest among the groups gnomAD compares: African/African-American, 0.0013%; no homozygotes.

Submission:

Ambry Genetics
Classification: Uncertain significance for Hereditary cancer-predisposing syndrome. Last evaluated: 2025-08-29. Review status: criteria provided, single submitter. Criteria: Ambry Variant Classification Scheme 2023. Collection method: clinical testing. Allele origin: germline.
Comment: The p.A1579V variant (also known as c.4736C>T), located in coding exon 22 of the DICER1 gene, results from a C to T substitution at nucleotide position 4736. The alanine at codon 1579 is replaced by valine, an amino acid with similar properties. This amino acid position is conserved. In addition, this alteration is predicted to be deleterious by in silico analysis. Based on the available evidence, the clinical significance of this variant remains unclear.